The following is an entry in ClinVar:

NM_001378615.1(CC2D2A):c.3283G>T (p.Gly1095Cys)

Genes: CC2D2A (coiled-coil and C2 domain containing 2A; plus strand), FBXL5 (F-box and leucine rich repeat protein 5; minus strand). Cytogenetic location: 4p15.32.
Variant type: single nucleotide variant.
Coding change: c.3283G>T on transcript NM_001378615.1 (MANE Select); coding-DNA position 3283, G replaced by T.
Protein change: p.Gly1095Cys; replaces glycine 1095 with cysteine.
Molecular consequence: missense variant.
Genome position (GRCh38, 1-based): chr4:15,567,477, G>T. VCF-style: chr4-15567477-G-T. GRCh37 (hg19) VCF-style: chr4-15569100-G-T.
Other names: c.3283G>T, p.Gly1095Cys (NM_001080522.2); c.3136G>T, p.Gly1046Cys (NM_001378617.1); short protein forms G1046C, G1095C.
Identifiers: ClinVar variation 1970093 (VCV001970093.4), dbSNP rs181260724, ClinGen allele CA2864124.
Genomic context (GRCh38, chr4:15,567,477, plus strand): 5'-GAAAAGCATGCTGCTTCCCCAAGCACGTACAGCCCAACCCACAATGCTGACTACCCCCTC[G>T]GCCAGGTGAGAGATGCTGGACTTCAGCTTTCCACCTTGCCCCTTAAGTTTTTAAGAAATG-3'
Protein context (NP_001365544.1, residues 1085-1105): SPTHNADYPL[Gly1095Cys]QVLVRPFVEV

ClinVar aggregate classification (germline): Uncertain significance. Review status: criteria provided, multiple submitters, no conflicts (2 of 4 stars). 2 submissions from 2 submitters: Uncertain significance (2). Last evaluated 2026-08-06.

Conditions:
Joubert syndrome 9 (JBTS9). Identifiers: Orphanet 2318, MedGen C2676788, MONDO:0012849, OMIM 612285.
Joubert syndrome. Also called: Familial aplasia of the vermis; JOUBERT-BOLTSHAUSER SYNDROME. Identifiers: Orphanet 475, MedGen C5979921, MONDO:0018772.
Meckel-Gruber syndrome. Also called: Dysencephalia splachnocystica; DYSENCEPHALIA SPLANCHNOCYSTICA; GRUBER SYNDROME. Identifiers: Orphanet 564, MedGen C0265215, MONDO:0018921.

gnomAD v4.1: 21 of 1,611,614 alleles (0.0013%); highest among the groups gnomAD compares: Non-Finnish European, 0.0016%; no homozygotes.

Submissions (2):

OLLIN Analises Genomicas, OLLIN
Classification: Uncertain significance for Joubert syndrome 9. Last evaluated: 2026-08-06. Review status: criteria provided, single submitter. Criteria: ACMG Guidelines 2015 PMID 25741868. Collection method: clinical testing. Allele origin: germline. Inheritance: Autosomal recessive inheritance.
Comment: This missense variant, located in exon 25 (of 37), has been reported in ClinVar (accession VCV000933790.9) and in gnomAD with an allele frequency of 0.0013%. However, to our knowledge, it has not been reported in the scientific literature. In silico analysis predicts that this variant has a tolerated effect. According to the currently available evidence, this variant has been classified as uncertain significance (PM2_P, BP4).

Labcorp Genetics (formerly Invitae), Labcorp
Classification: Uncertain significance for Joubert syndrome; Meckel-Gruber syndrome. Last evaluated: 2025-01-13. Review status: criteria provided, single submitter. Criteria: Invitae Variant Classification Sherloc (09022015). Collection method: clinical testing. Allele origin: germline.
Comment: This sequence change replaces glycine, which is neutral and non-polar, with cysteine, which is neutral and slightly polar, at codon 1095 of the CC2D2A protein (p.Gly1095Cys). This variant is present in population databases (rs181260724, gnomAD 0.004%). This variant has not been reported in the literature in individuals affected with CC2D2A-related conditions. ClinVar contains an entry for this variant (Variation ID: 1970093). Invitae Evidence Modeling of protein sequence and biophysical properties (such as structural, functional, and spatial information, amino acid conservation, physicochemical variation, residue mobility, and thermodynamic stability) indicates that this missense variant is not expected to disrupt CC2D2A protein function with a negative predictive value of 95%. In summary, the available evidence is currently insufficient to determine the role of this variant in disease. Therefore, it has been classified as a Variant of Uncertain Significance.